The following is an entry in ClinVar:

ClinVar aggregate classification (germline): Likely benign (1 of 4 stars; one submission).

Allele frequency attached by ClinVar (database versions not stated): 1000 Genomes Project 30x 0.00297; 1000 Genomes Project 0.00300; TOPMed 0.00516; ExAC 0.00581; gnomAD 0.00600; ESP Exome Variant Server 0.00615.
gnomAD v4.1: 9,680 of 1,572,466 alleles (0.62%); highest among the groups gnomAD compares: Non-Finnish European, 0.57%; 58 homozygotes.

Submission:

CeGaT Center for Human Genetics Tuebingen
Classification: Likely benign. Last evaluated: 2022-11-01. Review status: criteria provided, single submitter. Criteria: CeGaT Center For Human Genetics Tuebingen Variant Classification Criteria Version 2. Collection method: clinical testing. Allele origin: germline. Affected: yes. Observed: 1 variant allele.
Comment: COL22A1: BS2

NM_152888.3(COL22A1):c.4448T>A (p.Leu1483His)

Gene: COL22A1 (collagen type XXII alpha 1 chain; minus strand). Cytogenetic location: 8q24.23.
Variant type: single nucleotide variant.
Coding change: c.4448T>A on transcript NM_152888.3 (MANE Select); coding-DNA position 4448, T replaced by A.
Protein change: p.Leu1483His; replaces leucine 1483 with histidine.
Molecular consequence: missense variant.
Genome position (GRCh38, 1-based): chr8:138,594,184, A>T on the plus strand (T>A on the coding strand, the complement: COL22A1 is on the minus strand). VCF-style: chr8-138594184-A-T. GRCh37 (hg19) VCF-style: chr8-139606427-A-T.
Other names: short protein forms L1483H.
Identifiers: ClinVar variation 2658850 (VCV002658850.24), dbSNP rs72727814, ClinGen allele CA4890228.
Genomic context (GRCh38, chr8:138,594,184, plus strand): 5'-CCTGGGGGCCCAGGTCTGCCTTGAGATGACTTCATGTACGCCGGGGGCATCTGGGCCAGG[A>T]GGTAGGCGAGTCTGGCTGTAAAGTAGAAAAAGAGAGGCATTTCATGAAGAACAGATAGTG-3'
Protein context (NP_690848.1, residues 1473-1493): GKQLETRLAY[Leu1483His]LAQMPPAYMK